The following is an entry in ClinVar:

NM_001375380.1(EBF3):c.1709_1710insCGAGGCCCCA (p.Gln570fs)

Gene: EBF3 (EBF transcription factor 3; minus strand). Cytogenetic location: 10q26.3.
Variant type: Insertion.
Coding change: c.1709_1710insCGAGGCCCCA on transcript NM_001375380.1 (MANE Select); coding-DNA positions 1709 to 1710, CGAGGCCCCA inserted.
Protein change: p.Gln570fs; shifts the reading frame from glutamine 570.
Molecular consequence: frameshift variant.
Genome position: GRCh38 VCF-style: chr10-129840294-T-TTGGGGCCTCG. GRCh37 (hg19) VCF-style: chr10-131638558-T-TTGGGGCCTCG.
Other names: c.1574_1575insCGAGGCCCCA, p.Gln525fs (NM_001005463.3, NM_001375390.1); c.1709_1710insCGAGGCCCCA, p.Gln570fs (NM_001375379.1); c.1601_1602insCGAGGCCCCA, p.Gln534fs (NM_001375389.1, NM_001375391.1); c.1493_1494insCGAGGCCCCA, p.Gln498fs (NM_001375392.1); short protein forms Q498fs, Q525fs, Q534fs, Q570fs.
Identifiers: ClinVar variation 3363926 (VCV003363926.2).

ClinVar aggregate classification (germline): Uncertain significance (1 of 4 stars; one submission).

Submission:

GeneDx
Classification: Uncertain significance. Last evaluated: 2025-03-19. Review status: criteria provided, single submitter. Criteria: GeneDx Variant Classification Process June 2021. Collection method: clinical testing. Allele origin: germline.
Comment: Frameshift variant predicted to result in abnormal protein length as the last 27 amino acid(s) are replaced with 70 different amino acid(s); Not observed at significant frequency in large population cohorts (gnomAD); Has not been previously published as pathogenic or benign to our knowledge